The following is an entry in ClinVar:

ClinVar aggregate classification (germline): Conflicting classifications of pathogenicity. Review status: criteria provided, conflicting classifications (1 of 4 stars). 3 submissions from 3 submitters: Pathogenic (1); Uncertain significance (2). Last evaluated 2025-11-25.

Conditions:
Norman-Roberts syndrome (LIS2). Also called: Lissencephaly 2 (Norman-Roberts type). Identifiers: Orphanet 89844, MedGen C0796089, MONDO:0009760, OMIM 257320.
Familial temporal lobe epilepsy 7. Identifiers: Orphanet 101046, MedGen C4225327, MONDO:0014639, OMIM 616436.

gnomAD v4.1: 2 of 1,614,032 alleles (0.00012%); highest among the groups gnomAD compares: Non-Finnish European, 0.00017%; no homozygotes.

Submissions (3):

Labcorp Genetics (formerly Invitae), Labcorp
Classification: Uncertain significance for Familial temporal lobe epilepsy 7; Norman-Roberts syndrome. Last evaluated: 2025-11-25. Review status: criteria provided, single submitter. Criteria: Invitae Variant Classification Sherloc (09022015). Collection method: clinical testing. Allele origin: germline.
Comment: This sequence change replaces arginine, which is basic and polar, with cysteine, which is neutral and slightly polar, at codon 2637 of the RELN protein (p.Arg2637Cys). This variant is not present in population databases (gnomAD no frequency). This missense change has been observed in individual(s) with seizures (PMID: 33453592, 34569441). ClinVar contains an entry for this variant (Variation ID: 130113). Invitae Evidence Modeling of protein sequence and biophysical properties (such as structural, functional, and spatial information, amino acid conservation, physicochemical variation, residue mobility, and thermodynamic stability) indicates that this missense variant is not expected to disrupt RELN protein function with a negative predictive value of 80%. In summary, the available evidence is currently insufficient to determine the role of this variant in disease. Therefore, it has been classified as a Variant of Uncertain Significance.

Women's Health and Genetics/Laboratory Corporation of America, LabCorp
Classification: Pathogenic for Familial temporal lobe epilepsy 7. Last evaluated: 2023-04-27. Review status: criteria provided, single submitter. Criteria: LabCorp Variant Classification Summary - May 2015. Collection method: clinical testing. Allele origin: germline.
Comment: Variant summary: RELN c.7909C>T (p.Arg2637Cys) results in a non-conservative amino acid change in the encoded protein sequence. Four of five in-silico tools predict a damaging effect of the variant on protein function. The variant was absent in 251186 control chromosomes (gnomAD). c.7909C>T has been reported in the literature in multiple families individuals affected with Familial Epilepsy (e.g. Bisulli_2021, Fang_2022). These data indicate that the variant is very likely to be associated with disease. To our knowledge, no experimental evidence demonstrating an impact on protein function has been reported. The following publications have been ascertained in the context of this evaluation (PMID: 33453592, 34569441). One ClinVar submitter has assessed the variant since 2014: the variant was classified as uncertain significance. Based on the evidence outlined above, the variant was classified as pathogenic.

Genetic Services Laboratory, University of Chicago
Classification: Uncertain significance. Last evaluated: 2013-04-16. Review status: criteria provided, single submitter. Criteria: ACMG Guidelines, 2007. Collection method: clinical testing. Allele origin: germline. Inheritance: Autosomal recessive inheritance.

Literature cited by the submitters: PubMed 33453592 (cited by Labcorp Genetics (formerly Invitae), Labcorp and Women's Health and Genetics/Laboratory Corporation of America, LabCorp); PubMed 34569441 (cited by Labcorp Genetics (formerly Invitae), Labcorp and Women's Health and Genetics/Laboratory Corporation of America, LabCorp).

NM_005045.4(RELN):c.7909C>T (p.Arg2637Cys)

Gene: RELN (reelin; minus strand). Cytogenetic location: 7q22.1.
Variant type: single nucleotide variant.
Coding change: c.7909C>T on transcript NM_005045.4 (MANE Select); coding-DNA position 7909, C replaced by T.
Protein change: p.Arg2637Cys; replaces arginine 2637 with cysteine.
Molecular consequence: missense variant.
Genome position (GRCh38, 1-based): chr7:103,515,395, G>A on the plus strand (C>T on the coding strand, the complement: RELN is on the minus strand). VCF-style: chr7-103515395-G-A. GRCh37 (hg19) VCF-style: chr7-103155842-G-A.
Other names: c.7909C>T, p.Arg2637Cys (NM_173054.3); short protein forms R2637C.
Identifiers: ClinVar variation 130113 (VCV000130113.15), dbSNP rs587780438, ClinGen allele CA231446.